The following is an entry in ClinVar:

ClinVar aggregate classification (germline): Uncertain significance (0 of 4 stars; one submission).

Conditions:
PCSK1-related disorder. Also called: PCSK1-related condition.

Submission:

PreventionGenetics, part of Exact Sciences
Classification: Uncertain significance for PCSK1-related condition. Last evaluated: 2024-07-29. Review status: no assertion criteria provided. Collection method: clinical testing. Allele origin: germline.
Comment: The PCSK1 c.1700G>A variant is predicted to result in premature protein termination (p.Trp567*). To our knowledge, this variant has not been reported in the literature or in a large population database, indicating this variant is rare. While nonsense variants in PCSK1 have been reported as a mechanism of disease, none have been reported downstream of this variant. Therefore, although we suspect that this variant may be pathogenic, at this time, the clinical significance of this variant is uncertain due to the absence of conclusive functional and genetic evidence.

NM_000439.5(PCSK1):c.1700G>A (p.Trp567Ter)

Genes: CAST (calpastatin; plus strand), PCSK1 (proprotein convertase subtilisin/kexin type 1; minus strand), LOC101929710 (uncharacterized LOC101929710; plus strand). Cytogenetic location: 5q15.
Variant type: single nucleotide variant.
Coding change: c.1700G>A on transcript NM_000439.5 (MANE Select); coding-DNA position 1700, G replaced by A.
Protein change: p.Trp567Ter; replaces tryptophan 567 with a stop codon.
Molecular consequence: nonsense. On other transcripts: intron variant (11).
Genome position (GRCh38, 1-based): chr5:96,397,358, C>T on the plus strand (G>A on the coding strand, the complement: PCSK1 is on the minus strand). VCF-style: chr5-96397358-C-T. GRCh37 (hg19) VCF-style: chr5-95733062-C-T.
Other names: c.1559G>A, p.Trp520Ter (NM_001177875.2); c.-175+17706C>T (NM_001423254.1, NM_001423259.1, NM_001423255.1 and 6 more transcripts); c.-103+17706C>T (NM_001423253.1); c.-40+17706C>T (NM_001423258.1); short protein forms W520*, W567*.
Identifiers: ClinVar variation 3353822 (VCV003353822.1).